The following is an entry in ClinVar:

NM_001114753.3(ENG):c.1276G>A (p.Val426Met)

Genes: ENG (endoglin; minus strand), LOC102723566 (uncharacterized LOC102723566; plus strand). Cytogenetic location: 9q34.11.
Variant type: single nucleotide variant.
Coding change: c.1276G>A on transcript NM_001114753.3 (MANE Select); coding-DNA position 1276, G replaced by A.
Protein change: p.Val426Met; replaces valine 426 with methionine.
Molecular consequence: missense variant.
Genome position (GRCh38, 1-based): chr9:127,819,657, C>T on the plus strand (G>A on the coding strand, the complement: ENG is on the minus strand). VCF-style: chr9-127819657-C-T. GRCh37 (hg19) VCF-style: chr9-130581936-C-T.
Other names: c.1276G>A, p.Val426Met (NM_000118.4); c.730G>A, p.Val244Met (NM_001278138.2); short protein forms V244M, V426M.
Identifiers: ClinVar variation 1046671 (VCV001046671.10), dbSNP rs1830425455, ClinGen allele CA374978141.

ClinVar aggregate classification (germline): Uncertain significance (1 of 4 stars; one submission).

Conditions:
Hereditary hemorrhagic telangiectasia (HHT). Also called: Osler hemorrhagic telangiectasia syndrome; ORW DISEASE; Osler Weber Rendu syndrome; OSLER-RENDU-WEBER DISEASE. Identifiers: Orphanet 774, MedGen C0039445, MONDO:0019180. Disease mechanism: loss of function.

Submission:

Labcorp Genetics (formerly Invitae), Labcorp
Classification: Uncertain significance for Hereditary hemorrhagic telangiectasia. Last evaluated: 2020-02-15. Review status: criteria provided, single submitter. Criteria: Invitae Variant Classification Sherloc (09022015). Collection method: clinical testing. Allele origin: germline.
Comment: In summary, the available evidence is currently insufficient to determine the role of this variant in disease. Therefore, it has been classified as a Variant of Uncertain Significance. This sequence change replaces valine with methionine at codon 426 of the ENG protein (p.Val426Met). The valine residue is moderately conserved and there is a small physicochemical difference between valine and methionine. This variant is not present in population databases (ExAC no frequency). This variant has not been reported in the literature in individuals with ENG-related conditions. Algorithms developed to predict the effect of missense changes on protein structure and function are either unavailable or do not agree on the potential impact of this missense change (SIFT: "Deleterious"; PolyPhen-2: "Probably Damaging"; Align-GVGD: "Class C0").